The following is an entry in ClinVar:

NM_017612.5(ZCCHC8):c.1324G>A (p.Ala442Thr)

Gene: ZCCHC8 (zinc finger CCHC-type containing 8; minus strand). Cytogenetic location: 12q24.31.
Variant type: single nucleotide variant.
Coding change: c.1324G>A on transcript NM_017612.5 (MANE Select); coding-DNA position 1324, G replaced by A.
Protein change: p.Ala442Thr; replaces alanine 442 with threonine.
Molecular consequence: missense variant.
Genome position (GRCh38, 1-based): chr12:122,477,862, C>T on the plus strand (G>A on the coding strand, the complement: ZCCHC8 is on the minus strand). VCF-style: chr12-122477862-C-T. GRCh37 (hg19) VCF-style: chr12-122962409-C-T.
Other names: c.1093G>A, p.Ala365Thr (NM_001350935.2); c.1027G>A, p.Ala343Thr (NM_001350936.2); c.610G>A, p.Ala204Thr (NM_001350937.2, NM_001350938.2); short protein forms A442T, A204T, A343T, A365T.
Identifiers: ClinVar variation 4690436 (VCV004690436.1).

ClinVar aggregate classification (germline): Uncertain significance (1 of 4 stars; one submission).

gnomAD v4.1: 17 of 1,612,744 alleles (0.0011%); highest among the groups gnomAD compares: East Asian, 0.0089%; no homozygotes.

Submission:

Labcorp Genetics (formerly Invitae), Labcorp
Classification: Uncertain significance. Last evaluated: 2025-12-11. Review status: criteria provided, single submitter. Criteria: Invitae Variant Classification Sherloc (09022015). Collection method: clinical testing. Allele origin: germline.
Comment: This sequence change replaces alanine, which is neutral and non-polar, with threonine, which is neutral and polar, at codon 442 of the ZCCHC8 protein (p.Ala442Thr). This variant is present in population databases (rs773041857, gnomAD 0.003%). This variant has not been reported in the literature in individuals affected with ZCCHC8-related conditions. Invitae Evidence Modeling of protein sequence and biophysical properties (such as structural, functional, and spatial information, amino acid conservation, physicochemical variation, residue mobility, and thermodynamic stability) indicates that this missense variant is not expected to disrupt ZCCHC8 protein function with a negative predictive value of 80%. In summary, the available evidence is currently insufficient to determine the role of this variant in disease. Therefore, it has been classified as a Variant of Uncertain Significance.